The following is an entry in ClinVar:

NM_000090.4(COL3A1):c.2194G>A (p.Gly732Arg)

Gene: COL3A1 (collagen type III alpha 1 chain; plus strand). Cytogenetic location: 2q32.2.
Variant type: single nucleotide variant.
Coding change: c.2194G>A on transcript NM_000090.4 (MANE Select); coding-DNA position 2194, G replaced by A.
Protein change: p.Gly732Arg; replaces glycine 732 with arginine.
Molecular consequence: missense variant.
Genome position (GRCh38, 1-based): chr2:188,999,542, G>A. VCF-style: chr2-188999542-G-A. GRCh37 (hg19) VCF-style: chr2-189864268-G-A.
Identifiers: ClinVar variation 101323 (VCV000101323.8), dbSNP rs587779606, ClinGen allele CA005171.

ClinVar aggregate classification (germline): Pathogenic/Likely pathogenic. Review status: criteria provided, multiple submitters, no conflicts (2 of 4 stars). 3 submissions from 3 submitters: Pathogenic (1); Likely pathogenic (1). 1 of the submissions does not count toward it. Last evaluated 2018-04-19.

Conditions:
Ehlers-Danlos syndrome, type 4 (EDSVASC). Also called: Ehlers-Danlos syndrome vascular type; Ehlers Danlos syndrome, ecchymotic type; Ehlers Danlos syndrome, arterial type; Ehlers Danlos syndrome, Sack-Barabas type; Ehlers-Danlos Syndrome Type IV. Identifiers: Orphanet 286, MedGen C0268338, MONDO:0017314, OMIM 130050.

Submissions (3):

Labcorp Genetics (formerly Invitae), Labcorp
Classification: Pathogenic for Ehlers-Danlos syndrome, type 4. Last evaluated: 2018-04-19. Review status: criteria provided, single submitter. Criteria: Invitae Variant Classification Sherloc (09022015). Collection method: clinical testing. Allele origin: germline.
Comment: The observation of two more missense substitutions at this codon (p.Gly732Glu and p.Gly732Val) in affected individuals suggests that this may be a clinically significant residue (PMID: 20518783, 17728513). Glycine residues within the Gly-Xaa-Yaa repeats of the triple helix domain are required for the structure and stability of fibrillar collagens (PMID: 7695699, 8218237, 19344236). In COL3A1, missense variants at these glycine residues are significantly enriched in individuals with disease (PMID: 24922459, 25758994) compared to the general population (ExAC). For these reasons, this variant has been classified as Pathogenic. This variant has been reported in individuals affected with vascular Ehlers-Danlos syndrome (PMID: 22019127, 24922459). ClinVar contains an entry for this variant (Variation ID: 101323). This variant is not present in population databases (ExAC no frequency). This sequence change replaces glycine with arginine at codon 732 of the COL3A1 protein (p.Gly732Arg). The glycine residue is highly conserved and there is a moderate physicochemical difference between glycine and arginine.

Centre for Translational Omics - GOSgene, University College London
Classification: Likely pathogenic for Ehlers-Danlos syndrome, type 4. Last evaluated: 2018-03-16. Review status: criteria provided, single submitter. Criteria: ACMG Guidelines, 2015. Collection method: clinical testing. Allele origin: de novo. Affected: yes.

Collagen Diagnostic Laboratory, University of Washington
Classification: Pathogenic for Ehlers-Danlos syndrome, type 4. Review status: no assertion criteria provided. Collection method: clinical testing. Allele origin: germline. Affected: yes. Not counted in ClinVar's aggregate classification.

Literature cited by the submitters: PubMed 20518783 (cited by Labcorp Genetics (formerly Invitae), Labcorp); PubMed 17728513 (cited by Labcorp Genetics (formerly Invitae), Labcorp); PubMed 7695699 (cited by Labcorp Genetics (formerly Invitae), Labcorp); PubMed 8218237 (cited by Labcorp Genetics (formerly Invitae), Labcorp); PubMed 19344236 (cited by Labcorp Genetics (formerly Invitae), Labcorp); PubMed 24922459 (cited by Labcorp Genetics (formerly Invitae), Labcorp); PubMed 25758994 (cited by Labcorp Genetics (formerly Invitae), Labcorp); PubMed 22019127 (cited by Labcorp Genetics (formerly Invitae), Labcorp).